The following is an entry in ClinVar:

NM_024426.6(WT1):c.1411C>A (p.Leu471Met)

Gene: WT1 (WT1 transcription factor; minus strand). Cytogenetic location: 11p13.
Variant type: single nucleotide variant.
Coding change: c.1411C>A on transcript NM_024426.6 (MANE Select); coding-DNA position 1411, C replaced by A.
Protein change: p.Leu471Met; replaces leucine 471 with methionine.
Molecular consequence: missense variant. On other transcripts: non-coding transcript variant (1).
Genome position (GRCh38, 1-based): chr11:32,392,008, G>T on the plus strand (C>A on the coding strand, the complement: WT1 is on the minus strand). VCF-style: chr11-32392008-G-T. GRCh37 (hg19) VCF-style: chr11-32413554-G-T.
Other names: c.1360C>A, p.Leu454Met (NM_000378.6, NM_001407045.1); c.760C>A, p.Leu254Met (NM_001198551.2); c.709C>A, p.Leu237Met (NM_001198552.2); c.223C>A, p.Leu75Met (NM_001367854.1); c.1405C>A, p.Leu469Met (NM_001407044.1); c.1288C>A, p.Leu430Met (NM_001407047.1); c.1270C>A, p.Leu424Met (NM_001407048.1); c.1237C>A, p.Leu413Met (NM_001407050.1); and 3 more; short protein forms L237M, L254M, L454M, L471M, L75M, L424M, L430M, L469M.
Identifiers: ClinVar variation 988211 (VCV000988211.2), dbSNP rs1851831198, ClinGen allele CA379958807.

ClinVar aggregate classification (germline): Uncertain significance (0 of 4 stars; one submission).

Conditions:
Nephrotic syndrome. Identifiers: MedGen C0027726, MONDO:0005377, HP:0000100.

Submission:

Sydney Genome Diagnostics, Children's Hospital Westmead
Classification: Uncertain significance for Nephrotic syndrome. Last evaluated: 2016-04-30. Review status: no assertion criteria provided. Collection method: clinical testing. Allele origin: unknown. Affected: yes. Observed: 1 variant allele, 1 heterozygote.
Comment: To our knowledge, this variant has not been previously reported to be a disease causing variant and it has not been reported in the ExAC allele frequency database. p.Leu466, is a highly conserved amino acid (up to 10 species) however there is only a small physicochemical difference between the wild type leucine and mutant methionine. In silico analysis of pathogenicity (through Alamut Visual v2.8) using PolyPhen2, SIFT and MutationTaster suggest that this variant is likely to be pathogenic. However, this analysis alone cannot be used to confirm pathogenicity. This variant is considered to be a VOUS according to the ACMG guidelines.